The following is an entry in ClinVar:

NM_004273.5(CHST3):c.307G>A (p.Val103Met)

Gene: CHST3 (carbohydrate sulfotransferase 3; plus strand). Cytogenetic location: 10q22.1.
Variant type: single nucleotide variant.
Coding change: c.307G>A on transcript NM_004273.5 (MANE Select); coding-DNA position 307, G replaced by A.
Protein change: p.Val103Met; replaces valine 103 with methionine.
Molecular consequence: missense variant.
Genome position (GRCh38, 1-based): chr10:72,007,338, G>A. VCF-style: chr10-72007338-G-A. GRCh37 (hg19) VCF-style: chr10-73767096-G-A.
Other names: short protein forms V103M.
Identifiers: ClinVar variation 1989775 (VCV001989775.4), dbSNP rs201211046, ClinGen allele CA209479023.

ClinVar aggregate classification (germline): Uncertain significance (1 of 4 stars; one submission).

Conditions:
Spondyloepiphyseal dysplasia with congenital joint dislocations (SEDCJD). Also called: Chondrodysplasia with Congenital Joint Dislocations, CHST3-Related. Identifiers: Orphanet 263463, MedGen C1837657, MONDO:0007738, OMIM 143095.

gnomAD v4.1: 7 of 1,610,000 alleles (0.00043%); highest among the groups gnomAD compares: South Asian, 0.0011%; no homozygotes.

Submission:

Labcorp Genetics (formerly Invitae), Labcorp
Classification: Uncertain significance for Spondyloepiphyseal dysplasia with congenital joint dislocations. Last evaluated: 2022-06-02. Review status: criteria provided, single submitter. Criteria: Invitae Variant Classification Sherloc (09022015). Collection method: clinical testing. Allele origin: germline.
Comment: In summary, the available evidence is currently insufficient to determine the role of this variant in disease. Therefore, it has been classified as a Variant of Uncertain Significance. Algorithms developed to predict the effect of missense changes on protein structure and function output the following: SIFT: "Tolerated"; PolyPhen-2: "Benign"; Align-GVGD: "Class C0". The methionine amino acid residue is found in multiple mammalian species, which suggests that this missense change does not adversely affect protein function. This variant has not been reported in the literature in individuals affected with CHST3-related conditions. This variant is not present in population databases (gnomAD no frequency). This sequence change replaces valine, which is neutral and non-polar, with methionine, which is neutral and non-polar, at codon 103 of the CHST3 protein (p.Val103Met).